The following continues an entry in ClinVar:

NM_144997.7(FLCN):c.1285del (p.His429fs)

Gene: FLCN. ClinVar aggregate classification (germline): Pathogenic. Pathogenic (25). ClinVar aggregate classification (oncogenicity): Oncogenic.

Submissions 11 to 29 of 29:

Ambry Genetics
Classification: Pathogenic for Hereditary cancer-predisposing syndrome. Last evaluated: 2025-02-03. Review status: criteria provided, single submitter. Criteria: Ambry Variant Classification Scheme 2023. Collection method: clinical testing. Allele origin: germline.
Comment: The c.1285delC pathogenic mutation, located in coding exon 8 of the FLCN gene, results from a deletion of one nucleotide at nucleotide position 1285, causing a translational frameshift with a predicted alternate stop codon (p.H429Tfs*39). This mutation has been reported in the literature in multiple individuals with features consistent with Birt-Hogg-Dub&eacute; syndrome, including fibrofolliculomas, spontaneous pneumothorax, lung cysts, benign renal cysts, and renal tumors (Khoo SK et al. J. Med. Genet. 2002 Dec;39:906-12; Schmidt LS et al. Am. J. Hum. Genet. 2005 Jun;76:1023-33; Toro JR et al. J. Med. Genet. 2008 Jun;45:321-31; Whitworth J et al. JAMA Oncol. 2016 Mar;2:373-9; Rossing M et al. J. Hum. Genet. 2017 Feb;62:151-157). Of note, this alteration is also designated as c.1733delC in published literature. In addition to the clinical data presented in the literature, this alteration is expected to result in loss of function by premature protein truncation or nonsense-mediated mRNA decay. As such, this alteration is interpreted as a disease-causing mutation.

Mayo Clinic Laboratories, Mayo Clinic
Classification: Pathogenic. Last evaluated: 2024-09-13. Review status: criteria provided, single submitter. Criteria: ACMG Guidelines, 2015. Collection method: clinical testing. Allele origin: germline. Observed: 7 variant alleles.
Comment: PP1, PP4, PM2_moderate, PVS1

Baylor Genetics
Classification: Pathogenic for Birt-Hogg-Dube syndrome 1. Last evaluated: 2024-02-15. Review status: criteria provided, single submitter. Criteria: ACMG Guidelines, 2015. Collection method: clinical testing. Allele origin: unknown.

Fulgent Genetics
Classification: Pathogenic for Colorectal cancer; Birt-Hogg-Dube syndrome 1; Nonpapillary renal cell carcinoma; Familial spontaneous pneumothorax. Last evaluated: 2024-01-30. Review status: criteria provided, single submitter. Criteria: ACMG Guidelines, 2015. Collection method: clinical testing. Allele origin: germline.

Myriad Genetics, Inc.
Classification: Pathogenic for Birt-Hogg-Dube syndrome 1. Last evaluated: 2023-07-07. Review status: criteria provided, single submitter. Criteria: Myriad Autosomal Dominant, Autosomal Recessive and X-Linked Classification Criteria (2023). Collection method: clinical testing. Allele origin: unknown.
Comment: This variant is considered pathogenic. This variant creates a frameshift predicted to result in premature protein truncation.

Quest Diagnostics Nichols Institute San Juan Capistrano
Classification: Pathogenic. Last evaluated: 2023-03-02. Review status: criteria provided, single submitter. Criteria: Quest Diagnostics criteria. Collection method: clinical testing. Allele origin: unknown.
Comment: The FLCN c.1285del (p.His429Thrfs*39) variant (also known as 1733delC) alters the translational reading frame of the FLCN mRNA and causes the premature termination of FLCN protein synthesis. In the published literature, this variant has been reported in multiple individuals with Birt-Hogg-Dube (BHD) syndrome (PMIDs: 28839995 (2017), 27734835 (2017), 26659639 (2016), 25827758 (2015), 25519458 (2014), 18234728 (2008)). The frequency of this variant in the general population, 0.000012 (3/245324 chromosomes (Genome Aggregation Database)), is consistent with pathogenicity. Based on the available information, this variant is classified as pathogenic.

MGZ Medical Genetics Center
Classification: Pathogenic for Birt-Hogg-Dube syndrome 1. Last evaluated: 2022-07-20. Review status: criteria provided, single submitter. Criteria: ACMG Guidelines, 2015. Collection method: clinical testing. Allele origin: germline. Affected: yes. Observed: 1 variant allele.
Comment: ACMG criteria applied: PVS1, PP1_STR, PS4_MOD, PM2_SUP

GeneDx
Classification: Pathogenic. Last evaluated: 2022-04-29. Review status: criteria provided, single submitter. Criteria: GeneDx Variant Classification Process June 2021. Collection method: clinical testing. Allele origin: germline. Affected: yes.
Comment: Frameshift variant predicted to result in protein truncation or nonsense mediated decay in a gene for which loss-of-function is a known mechanism of disease; Not observed at significant frequency in large population cohorts (gnomAD); This variant is associated with the following publications: (PMID: 21401403, 18234728, 27220747, 22446046, 21937013, 23155228, 28695430, 23741947, 25326637, 25827758, 26334087, 20522427, 22148047, 25519458, 26659639, 27734835, 19802896, 24346394, 15852235, 19562744, 27229674, 18505456, 23223565, 28326182, 28151982, 28839995, 12204536, 12471204, 34229741, 31589614)

Institute of Human Genetics, University of Leipzig Medical Center
Classification: Pathogenic for Birt-Hogg-Dube syndrome 1. Last evaluated: 2021-10-14. Review status: criteria provided, single submitter. Criteria: ACMG Guidelines, 2015. Collection method: clinical testing. Allele origin: unknown. Affected: yes.
Comment: _x000D_ Criteria applied: PVS1, PS4

Institute for Clinical Genetics, University Hospital TU Dresden, University Hospital TU Dresden
Classification: Pathogenic. Last evaluated: 2021-08-10. Review status: criteria provided, single submitter. Criteria: ACMG Guidelines, 2015. Collection method: clinical testing. Allele origin: germline.
Comment: PVS1, PP5, PP1, BP5

Blueprint Genetics
Classification: Pathogenic for FLCN-related disorders. Last evaluated: 2021-04-13. Review status: criteria provided, single submitter. Criteria: ACMG Guidelines, 2015. Collection method: clinical testing. Allele origin: germline. Affected: yes. Observed: 3 variant alleles.

Genetics and Molecular Pathology, SA Pathology
Classification: Pathogenic for Birt-Hogg-Dube syndrome. Last evaluated: 2020-03-13. Review status: criteria provided, single submitter. Criteria: ACMG Guidelines, 2015. Collection method: clinical testing. Allele origin: germline. Inheritance: Autosomal dominant inheritance. Affected: yes.

Genomic Diagnostic Laboratory, Division of Genomic Diagnostics, Children's Hospital of Philadelphia
Classification: Pathogenic for Birt-Hogg-Dube Syndrome. Last evaluated: 2016-07-18. Review status: criteria provided, single submitter. Criteria: DGD Variant Analysis Guidelines. Collection method: clinical testing. Allele origin: germline. Affected: yes. Observed: 53 variant alleles.
Comment: Clinical Testing

Clinical Genetics and Genomics, Karolinska University Hospital
Classification: Pathogenic. Last evaluated: 2016-01-19. Review status: criteria provided, single submitter. Criteria: ACMG Guidelines, 2015. Collection method: clinical testing. Allele origin: germline. Affected: yes. Observed: 13 variant alleles.

UCLA Clinical Genomics Center, UCLA
Classification: Pathogenic for Multiple fibrofolliculomas. Last evaluated: 2014-06-10. Review status: criteria provided, single submitter. Criteria: Lee et al. (JAMA. 2014). Collection method: clinical testing. Allele origin: unknown. Inheritance: Autosomal dominant inheritance. Affected: yes. Study: CES.

Eurofins Ntd Llc (ga)
Classification: Pathogenic. Last evaluated: 2013-12-20. Review status: criteria provided, single submitter. Criteria: EGL Classification Definitions 2015. Collection method: clinical testing. Allele origin: germline. Observed: 10 variant alleles, 10 heterozygotes.

Division of Respiratory Medicine of Juntendo University, Juntendo University Faculty of Medicine and Graduate School of Medicine
Classification: Pathogenic for Birt-Hogg-Dube syndrome 1. Last evaluated: 2023-07-01. Review status: no assertion criteria provided. Collection method: clinical testing. Allele origin: germline. Affected: yes. Not counted in ClinVar's aggregate classification.

OMIM
Classification: Pathogenic for BIRT-HOGG-DUBE SYNDROME 1. Last evaluated: 2009-09-01. Review status: no assertion criteria provided. Collection method: literature only. Allele origin: germline. Not counted in ClinVar's aggregate classification.

GeneReviews
No classification provided. Condition: Birt-Hogg-Dube syndrome. Review status: no classification provided. Collection method: literature only. Allele origin: unknown. Not counted in ClinVar's aggregate classification.

Literature cited by the submitters: PubMed 27734835 (cited by 5 submitters); PubMed 33540282 (cited by Dasa); PubMed 28839995 (cited by 3 submitters); PubMed 26659639 (cited by 3 submitters); PubMed 35477461 (cited by Dasa and Center for Genomic Medicine, Rigshospitalet, Copenhagen University Hospital); PubMed 29321196 (cited by Dasa); PubMed 28326182 (cited by Dasa); PubMed 25827758 (cited by 3 submitters); PubMed 27220747 (cited by Dasa); PubMed 25519458 (cited by 3 submitters); PubMed 33313181 (cited by Dasa); PubMed 31615547 (cited by Dasa); PubMed 28558743 (cited by Dasa); PubMed 28151982 (cited by Dasa); PubMed 27229674 (cited by Dasa); PubMed 34229741 (cited by Dasa and Mayo Clinic Laboratories, Mayo Clinic); PubMed 22146830 (cited by Dasa); PubMed 20413710 (cited by Dasa); PubMed 21412933 (cited by Dasa); PubMed 15852235 (cited by 4 submitters); PubMed 12471204 (cited by 3 submitters); PubMed 20301695 (cited by 3 submitters); PubMed 19562744 (cited by 3 submitters); PubMed 23874397 (cited by Center for Genomic Medicine, Rigshospitalet, Copenhagen University Hospital); PubMed 36895521 (cited by Women's Health and Genetics/Laboratory Corporation of America, LabCorp); PubMed 18234728 (cited by Ambry Genetics and Quest Diagnostics Nichols Institute San Juan Capistrano); PubMed 25326637 (cited by Quest Diagnostics Nichols Institute San Juan Capistrano); PubMed 12204536 (cited by 3 submitters); NCBI Bookshelf NBK1522 (cited by GeneReviews).